The following is an entry in ClinVar:

ClinVar aggregate classification (germline): Uncertain significance. Review status: criteria provided, multiple submitters, no conflicts (2 of 4 stars). 3 submissions from 3 submitters: Uncertain significance (3). Last evaluated 2026-02-01.

Conditions:
Fetal akinesia deformation sequence 1 (FADS1). Also called: Fetal akinesia sequence; Pena-Shokeir syndrome type I. Identifiers: Orphanet 994, MedGen C1276035, MONDO:0100101, OMIM 208150, HP:0001989.
Congenital myasthenic syndrome 10. Also called: Myasthenia, limb-girdle, familial. Identifiers: Orphanet 590, MedGen C1850792, MONDO:0009690, OMIM 254300.

Allele frequency attached by ClinVar (database versions not stated): TOPMed 0.00006.
gnomAD v4.1: 63 of 1,611,006 alleles (0.0039%); highest among the groups gnomAD compares: Middle Eastern, 0.033%; 1 homozygote.

Submissions (3):

Labcorp Genetics (formerly Invitae), Labcorp
Classification: Uncertain significance for Congenital myasthenic syndrome 10; Fetal akinesia deformation sequence 1. Last evaluated: 2026-02-01. Review status: criteria provided, single submitter. Criteria: Invitae Variant Classification Sherloc (09022015). Collection method: clinical testing. Allele origin: germline.
Comment: This sequence change replaces glycine, which is neutral and non-polar, with alanine, which is neutral and non-polar, at codon 496 of the DOK7 protein (p.Gly496Ala). This variant is present in population databases (rs373205256, gnomAD 0.009%). This variant has not been reported in the literature in individuals affected with DOK7-related conditions. ClinVar contains an entry for this variant (Variation ID: 465679). Invitae Evidence Modeling of protein sequence and biophysical properties (such as structural, functional, and spatial information, amino acid conservation, physicochemical variation, residue mobility, and thermodynamic stability) indicates that this missense variant is expected to disrupt DOK7 protein function with a positive predictive value of 80%. In summary, the available evidence is currently insufficient to determine the role of this variant in disease. Therefore, it has been classified as a Variant of Uncertain Significance.

GeneDx
Classification: Uncertain significance. Last evaluated: 2022-03-31. Review status: criteria provided, single submitter. Criteria: GeneDx Variant Classification Process June 2021. Collection method: clinical testing. Allele origin: germline. Affected: yes.
Comment: Not observed at significant frequency in large population cohorts (gnomAD); In silico analysis supports that this missense variant has a deleterious effect on protein structure/function; Has not been previously published as pathogenic or benign to our knowledge

Revvity Omics, Revvity
Classification: Uncertain significance. Last evaluated: 2019-04-22. Review status: criteria provided, single submitter. Criteria: ACMG Guidelines, 2015. Collection method: clinical testing. Allele origin: germline.

NM_173660.5(DOK7):c.1487G>C (p.Gly496Ala)

Gene: DOK7 (docking protein 7; plus strand). Cytogenetic location: 4p16.3.
Variant type: single nucleotide variant.
Coding change: c.1487G>C on transcript NM_173660.5 (MANE Select); coding-DNA position 1487, G replaced by C.
Protein change: p.Gly496Ala; replaces glycine 496 with alanine.
Molecular consequence: missense variant. On other transcripts: 3 prime UTR variant (1).
Genome position (GRCh38, 1-based): chr4:3,493,473, G>C. VCF-style: chr4-3493473-G-C. GRCh37 (hg19) VCF-style: chr4-3495200-G-C.
Other names: c.*708G>C (NM_001164673.2); c.557G>C, p.Gly186Ala (NM_001256896.2); c.1487G>C, p.Gly496Ala (NM_001301071.2); c.1055G>C, p.Gly352Ala (NM_001363811.2); short protein forms G496A, G352A, G186A.
Identifiers: ClinVar variation 465679 (VCV000465679.10), dbSNP rs373205256, ClinGen allele CA2829548.
Genomic context (GRCh38, chr4:3,493,473, plus strand): 5'-AAGCAGGCGGCCCCCACGCGGGGCCACCCCCGGCTTTCTTTTCGGCATGTCCAGTCTGTG[G>C]AGGACTCAAGGTAAACCCCCCTCCTTGAGAGCCGCAGATCCCGCCCCGCGGCTGCAAAGG-3'
Protein context (NP_775931.3, residues 486-504): PAFFSACPVC[Gly496Ala]GLKVNPPP